The following is an entry in ClinVar:

NM_198525.3(KIF7):c.2477G>A (p.Arg826Gln)

Gene: KIF7 (kinesin family member 7; minus strand). Cytogenetic location: 15q26.1.
Variant type: single nucleotide variant.
Coding change: c.2477G>A on transcript NM_198525.3 (MANE Select); coding-DNA position 2477, G replaced by A.
Protein change: p.Arg826Gln; replaces arginine 826 with glutamine.
Molecular consequence: missense variant.
Genome position (GRCh38, 1-based): chr15:89,633,801, C>T on the plus strand (G>A on the coding strand, the complement: KIF7 is on the minus strand). VCF-style: chr15-89633801-C-T. GRCh37 (hg19) VCF-style: chr15-90177032-C-T.
Other names: c.2477G>A (NM_198525.2); short protein forms R826Q.
Identifiers: ClinVar variation 1492322 (VCV001492322.6), dbSNP rs148044329, ClinGen allele CA7728135.
Genomic context (GRCh38, chr15:89,633,801, plus strand): 5'-GTCTCCTCGCGAAGCCGCCTCTGCAGCTGTCCCTGCTGCTGCCGCATGAGCTGCACGTTC[C>T]GCTCGAGCTCCTGCAGTCGCTTCTCACTCTGGGCCGACAGTGACACCAGCCGCTCCGTAG-3'
Protein context (NP_940927.2, residues 816-836): QSEKRLQELE[Arg826Gln]NVQLMRQQQG

ClinVar aggregate classification (germline): Uncertain significance. Review status: criteria provided, multiple submitters, no conflicts (2 of 4 stars). 3 submissions from 3 submitters: Uncertain significance (3). Last evaluated 2025-04-25.

Conditions:
Acrocallosal syndrome (ACLS). Also called: Schinzel syndrome 1; Absence of corpus callosum with unusual facial appearance, mental deficiency, duplication of the halluces and polydactyly; HALLUX DUPLICATION, POSTAXIAL POLYDACTYLY, AND ABSENCE OF CORPUS CALLOSUM. Identifiers: Orphanet 36, MedGen C0796147, MONDO:0008708, OMIM 200990.
Inborn genetic diseases. Identifiers: MedGen C0950123, MeSH D030342.

Allele frequency attached by ClinVar (database versions not stated): ESP Exome Variant Server 0.00008; gnomAD exomes 0.00010; ExAC 0.00013; gnomAD 0.00014 and 0.00017; TOPMed 0.00019; 1000 Genomes Project 30x 0.00062; 1000 Genomes Project 0.00080.
gnomAD v4.1: 158 of 1,612,560 alleles (0.0098%); highest among the groups gnomAD compares: African/African-American, 0.039%; no homozygotes.

Submissions (3):

Ambry Genetics
Classification: Uncertain significance for Inborn genetic diseases. Last evaluated: 2025-04-25. Review status: criteria provided, single submitter. Criteria: Ambry Variant Classification Scheme 2023. Collection method: clinical testing. Allele origin: germline.

Blueprint Genetics
Classification: Uncertain significance. Last evaluated: 2024-05-27. Review status: criteria provided, single submitter. Criteria: ACMG Guidelines, 2015. Collection method: clinical testing. Allele origin: germline.

Labcorp Genetics (formerly Invitae), Labcorp
Classification: Uncertain significance for Acrocallosal syndrome. Last evaluated: 2023-11-27. Review status: criteria provided, single submitter. Criteria: Invitae Variant Classification Sherloc (09022015). Collection method: clinical testing. Allele origin: germline.
Comment: This sequence change replaces arginine, which is basic and polar, with glutamine, which is neutral and polar, at codon 826 of the KIF7 protein (p.Arg826Gln). This variant is present in population databases (rs148044329, gnomAD 0.05%). This variant has not been reported in the literature in individuals affected with KIF7-related conditions. ClinVar contains an entry for this variant (Variation ID: 1492322). Advanced modeling of protein sequence and biophysical properties (such as structural, functional, and spatial information, amino acid conservation, physicochemical variation, residue mobility, and thermodynamic stability) performed at Invitae indicates that this missense variant is not expected to disrupt KIF7 protein function with a negative predictive value of 80%. In summary, the available evidence is currently insufficient to determine the role of this variant in disease. Therefore, it has been classified as a Variant of Uncertain Significance.